The following is an entry in ClinVar:

ClinVar aggregate classification (germline): Uncertain significance (1 of 4 stars; one submission).

Conditions:
Severe combined immunodeficiency due to DNA-PKcs deficiency. Also called: IMMUNODEFICIENCY 26 WITH NEUROLOGIC ABNORMALITIES; Immunodeficiency 26 with or without neurologic abnormalities. Identifiers: Orphanet 317425, MedGen C4014833, MONDO:0014423, OMIM 615966.

Allele frequency attached by ClinVar (database versions not stated): gnomAD 0.00001; gnomAD exomes 0.00002 and 0.00003; TOPMed 0.00002; ExAC 0.00007.
gnomAD v4.1: 30 of 1,607,110 alleles (0.0019%); highest among the groups gnomAD compares: South Asian, 0.0022%; no homozygotes.

Submission:

Labcorp Genetics (formerly Invitae), Labcorp
Classification: Uncertain significance for Severe combined immunodeficiency due to DNA-PKcs deficiency. Last evaluated: 2023-12-06. Review status: criteria provided, single submitter. Criteria: Invitae Variant Classification Sherloc (09022015). Collection method: clinical testing. Allele origin: germline.
Comment: This sequence change replaces arginine, which is basic and polar, with glutamine, which is neutral and polar, at codon 2598 of the PRKDC protein (p.Arg2598Gln). This variant is present in population databases (rs55923149, gnomAD 0.007%). This variant has not been reported in the literature in individuals affected with PRKDC-related conditions. ClinVar contains an entry for this variant (Variation ID: 835317). Advanced modeling of protein sequence and biophysical properties (such as structural, functional, and spatial information, amino acid conservation, physicochemical variation, residue mobility, and thermodynamic stability) has been performed at Invitae for this missense variant, however the output from this modeling did not meet the statistical confidence thresholds required to predict the impact of this variant on PRKDC protein function. In summary, the available evidence is currently insufficient to determine the role of this variant in disease. Therefore, it has been classified as a Variant of Uncertain Significance.

NM_006904.7(PRKDC):c.7793G>A (p.Arg2598Gln)

Gene: PRKDC (protein kinase, DNA-activated, catalytic subunit; minus strand). Cytogenetic location: 8q11.21.
Variant type: single nucleotide variant.
Coding change: c.7793G>A on transcript NM_006904.7 (MANE Select); coding-DNA position 7793, G replaced by A.
Protein change: p.Arg2598Gln; replaces arginine 2598 with glutamine.
Molecular consequence: missense variant.
Genome position (GRCh38, 1-based): chr8:47,836,496, C>T on the plus strand (G>A on the coding strand, the complement: PRKDC is on the minus strand). VCF-style: chr8-47836496-C-T. GRCh37 (hg19) VCF-style: chr8-48749057-C-T.
Other names: c.7793G>A, p.Arg2598Gln (NM_001081640.2); short protein forms R2598Q.
Identifiers: ClinVar variation 835317 (VCV000835317.6), dbSNP rs55923149, ClinGen allele CA4740014.
Genomic context (GRCh38, chr8:47,836,496, plus strand): 5'-GTCTGGAGAGTGCCCTGGGAGGCCTGGGTCTCCACAAACATCGGAGTGAGAACAGTACTT[C>T]GGAAACGCCAATCAGAATCAATGGTATATTCCTGTACATAAGAAAGTTTCAAATGAAATA-3'
Protein context (NP_008835.5, residues 2588-2608): EYTIDSDWRF[Arg2598Gln]STVLTPMFVE